The following is an entry in ClinVar:

NM_001146.5(ANGPT1):c.647A>G (p.Lys216Arg)

Gene: ANGPT1 (angiopoietin 1; minus strand). Cytogenetic location: 8q23.1.
Variant type: single nucleotide variant.
Coding change: c.647A>G on transcript NM_001146.5 (MANE Select); coding-DNA position 647, A replaced by G.
Protein change: p.Lys216Arg; replaces lysine 216 with arginine.
Molecular consequence: missense variant.
Genome position (GRCh38, 1-based): chr8:107,322,057, T>C on the plus strand (A>G on the coding strand, the complement: ANGPT1 is on the minus strand). VCF-style: chr8-107322057-T-C. GRCh37 (hg19) VCF-style: chr8-108334285-T-C.
Other names: c.647A>G, p.Lys216Arg (NM_001199859.3); c.47A>G, p.Lys16Arg (NM_001314051.2); short protein forms K16R, K216R.
Identifiers: ClinVar variation 1414818 (VCV001414818.8), dbSNP rs1384408016, ClinGen allele CA372034179.
Genomic context (GRCh38, chr8:107,322,057, plus strand): 5'-TGCTTTTCCAGCTCCTGGATTATATATGTTTGACGAGTAACCAAGCCTTGAAGGTTCTCT[T>C]TCTCTTCCTTTAAGGTGTCCAACTCTTCCTTGTGTTTTCCTTCCATTTCTAAGATTTTAT-3'
Protein context (NP_001137.2, residues 206-226): KEELDTLKEE[Lys216Arg]ENLQGLVTRQ

ClinVar aggregate classification (germline): Uncertain significance (1 of 4 stars; one submission).

Allele frequency attached by ClinVar (database versions not stated): gnomAD exomes 0.00001 and 0.00003; gnomAD 0.00003.
gnomAD v4.1: 20 of 1,613,920 alleles (0.0012%); highest among the groups gnomAD compares: Admixed American, 0.0017%; no homozygotes.

Submission:

Labcorp Genetics (formerly Invitae), Labcorp
Classification: Uncertain significance. Last evaluated: 2025-10-29. Review status: criteria provided, single submitter. Criteria: Invitae Variant Classification Sherloc (09022015). Collection method: clinical testing. Allele origin: germline.
Comment: This sequence change replaces lysine, which is basic and polar, with arginine, which is basic and polar, at codon 216 of the ANGPT1 protein (p.Lys216Arg). This variant is present in population databases (no rsID available, gnomAD 0.1%). This variant has not been reported in the literature in individuals affected with ANGPT1-related conditions. ClinVar contains an entry for this variant (Variation ID: 1414818). An algorithm developed to predict the effect of missense changes on protein structure and function outputs the following: PolyPhen-2: "Benign". The arginine amino acid residue is found in multiple mammalian species, which suggests that this missense change does not adversely affect protein function. In summary, the available evidence is currently insufficient to determine the role of this variant in disease. Therefore, it has been classified as a Variant of Uncertain Significance.